The following is an entry in ClinVar:

ClinVar aggregate classification (germline): Pathogenic (1 of 4 stars; one submission).

Conditions:
Renal tubular dysgenesis of genetic origin. Also called: PRIMITIVE RENAL TUBULE SYNDROME. Identifiers: Orphanet 97369, MedGen C5681536, MONDO:0009970, OMIM 267430.

gnomAD v4.1: 3 of 1,441,168 alleles (0.00021%); highest among the groups gnomAD compares: South Asian, 0.0042%; no homozygotes.

Submission:

Victorian Clinical Genetics Services, Murdoch Childrens Research Institute
Classification: Pathogenic for Renal tubular dysgenesis of genetic origin. Last evaluated: 2025-07-08. Review status: criteria provided, single submitter. Criteria: ACMG Guidelines, 2015. Collection method: clinical testing. Allele origin: germline. Affected: yes.
Comment: This variant is classified as Pathogenic. Evidence in support of pathogenic classification: Variant is predicted to cause nonsense-mediated decay (NMD) and loss of protein (premature termination codon is located at least 54 nucleotides upstream of the final exon-exon junction); Variant is present in gnomAD <0.01 for a recessive condition (v4: 3 heterozygote(s), 0 homozygote(s)); Other NMD-predicted variants comparable to the one identified in this case have very strong previous evidence for pathogenicity (DECIPHER). Additional information: This variant is homozygous; This gene is associated with autosomal recessive disease; Loss of function is a known mechanism of disease in this gene and is associated with renal tubular dysgenesis (MIM#267430).

NM_000789.4(ACE):c.207G>A (p.Trp69Ter)

Gene: ACE (angiotensin I converting enzyme; plus strand). Cytogenetic location: 17q23.3.
Variant type: single nucleotide variant.
Coding change: c.207G>A on transcript NM_000789.4 (MANE Select); coding-DNA position 207, G replaced by A.
Protein change: p.Trp69Ter; replaces tryptophan 69 with a stop codon.
Molecular consequence: nonsense. On other transcripts: 5 prime UTR variant (2).
Genome position (GRCh38, 1-based): chr17:63,477,301, G>A. VCF-style: chr17-63477301-G-A. GRCh37 (hg19) VCF-style: chr17-61554662-G-A.
Other names: c.-29G>A (NM_001382700.1); c.-408G>A (NM_001382701.1); short protein forms W69*.
Identifiers: ClinVar variation 4531674 (VCV004531674.1).